The following is an entry in ClinVar:

NM_018036.7(ATG2B):c.2438-4_2438-3dup

Gene: ATG2B (autophagy related 2B; minus strand). Cytogenetic location: 14q32.2.
Variant type: Duplication.
Coding change: c.2438-4_2438-3dup on transcript NM_018036.7 (MANE Select); 4 bases into the intron before coding-DNA position 2438 through 3 bases into the intron before coding-DNA position 2438, 2 bases duplicated (TT; older notation c.2438-4_2438-3dupTT).
Molecular consequence: intron variant.
Genome position (GRCh38, 1-based): chr14:96,324,001-96,324,002, AA duplicated on the plus strand (TT on the coding strand, the reverse complement: ATG2B is on the minus strand); duplicating any 2 consecutive bases within chr14:96,324,001-96,324,009 gives the same sequence; the c. name uses the placement nearest the transcript's 3' end. VCF-style (leftmost placement, unchanged base first): chr14-96324000-T-TAA. GRCh37 (hg19) VCF-style: chr14-96790337-T-TAA.
Identifiers: ClinVar variation 3035093 (VCV003035093.2), dbSNP rs34296665, ClinGen allele CA7336463.

ClinVar aggregate classification (germline): Likely benign (0 of 4 stars; one submission).

Conditions:
ATG2B-related disorder. Also called: ATG2B-related condition.

Submission:

PreventionGenetics, part of Exact Sciences
Classification: Likely benign for ATG2B-related condition. Last evaluated: 2019-02-22. Review status: no assertion criteria provided. Collection method: clinical testing. Allele origin: germline.
Comment: This variant is classified as likely benign based on ACMG/AMP sequence variant interpretation guidelines (Richards et al. 2015 PMID: 25741868, with internal and published modifications).